The following is an entry in ClinVar:

ClinVar aggregate classification (germline): Uncertain significance (1 of 4 stars; one submission).

Allele frequency attached by ClinVar (database versions not stated): gnomAD exomes below 0.00001; TOPMed 0.00001.
gnomAD v4.1: 2 of 1,572,298 alleles (0.00013%); highest among the groups gnomAD compares: Non-Finnish European, 0.00017%; no homozygotes.

Submission:

Labcorp Genetics (formerly Invitae), Labcorp
Classification: Uncertain significance. Last evaluated: 2022-06-07. Review status: criteria provided, single submitter. Criteria: Invitae Variant Classification Sherloc (09022015). Collection method: clinical testing. Allele origin: germline.
Comment: This sequence change falls in intron 19 of the CCDC88A gene. It does not directly change the encoded amino acid sequence of the CCDC88A protein. This variant is not present in population databases (gnomAD no frequency). This variant has not been reported in the literature in individuals affected with CCDC88A-related conditions. Algorithms developed to predict the effect of sequence changes on RNA splicing suggest that this variant may create or strengthen a splice site. In summary, the available evidence is currently insufficient to determine the role of this variant in disease. Therefore, it has been classified as a Variant of Uncertain Significance.

NM_001365480.1(CCDC88A):c.3324+9A>G

Gene: CCDC88A (coiled-coil domain containing 88A; minus strand). Cytogenetic location: 2p16.1.
Variant type: single nucleotide variant.
Coding change: c.3324+9A>G on transcript NM_001365480.1 (MANE Select); 9 bases into the intron after coding-DNA position 3324, A replaced by G.
Molecular consequence: intron variant.
Genome position (GRCh38, 1-based): chr2:55,318,834, T>C on the plus strand (A>G on the coding strand, the complement: CCDC88A is on the minus strand). VCF-style: chr2-55318834-T-C. GRCh37 (hg19) VCF-style: chr2-55545970-T-C.
Other names: c.3321+9A>G (NM_001254943.2, NM_001135597.2); c.3324+9A>G (NM_018084.5).
Identifiers: ClinVar variation 2001716 (VCV002001716.1), dbSNP rs1574084420, ClinGen allele CA1252216733.
Genomic context (GRCh38, chr2:55,318,834, plus strand): 5'-TACCCTCCCTTATTTTAATAGCATAATTCAAGAGTTTGGTTGCATATTCCCAAAATATTA[T>C]ATTACAACCTGAAGCTTGGCATTCTGTGTTTGAAGAGTGGTATTCTGTTCTTGTAATGAC-3'